The following is an entry in ClinVar:

ClinVar aggregate classification (germline): Uncertain significance. Review status: criteria provided, multiple submitters, no conflicts (2 of 4 stars). 2 submissions from 2 submitters: Uncertain significance (2). Last evaluated 2025-06-28.

Conditions:
Multiple endocrine neoplasia, type 1 (MEN1). Also called: MEN I; WERMER SYNDROME; Endocrine adenomatosis multiple; MEN 1; MEA I. Identifiers: Orphanet 652, MedGen C0025267, MeSH D018761, MONDO:0007540, OMIM 131100.
Hereditary cancer-predisposing syndrome. Also called: Hereditary Cancer Syndrome; Hereditary neoplastic syndrome; Neoplastic Syndromes, Hereditary; Tumor predisposition. Identifiers: Orphanet 140162, MedGen C0027672, MeSH D009386, MONDO:0015356.

Submissions (2):

Ambry Genetics
Classification: Uncertain significance for Hereditary cancer-predisposing syndrome. Last evaluated: 2025-06-28. Review status: criteria provided, single submitter. Criteria: Ambry Variant Classification Scheme 2023. Collection method: clinical testing. Allele origin: germline.
Comment: The p.D406E variant (also known as c.1218C>G), located in coding exon 8 of the MEN1 gene, results from a C to G substitution at nucleotide position 1218. The aspartic acid at codon 406 is replaced by glutamic acid, an amino acid with highly similar properties. This amino acid position is conserved. In addition, this alteration is predicted to be deleterious by in silico analysis. Based on the available evidence, the clinical significance of this variant remains unclear.

Labcorp Genetics (formerly Invitae), Labcorp
Classification: Uncertain significance for Multiple endocrine neoplasia, type 1. Last evaluated: 2023-03-18. Review status: criteria provided, single submitter. Criteria: Invitae Variant Classification Sherloc (09022015). Collection method: clinical testing. Allele origin: germline.
Comment: This sequence change replaces aspartic acid, which is acidic and polar, with glutamic acid, which is acidic and polar, at codon 406 of the MEN1 protein (p.Asp406Glu). This variant is not present in population databases (gnomAD no frequency). This variant has not been reported in the literature in individuals affected with MEN1-related conditions. Advanced modeling of protein sequence and biophysical properties (such as structural, functional, and spatial information, amino acid conservation, physicochemical variation, residue mobility, and thermodynamic stability) performed at Invitae indicates that this missense variant is expected to disrupt MEN1 protein function. In summary, the available evidence is currently insufficient to determine the role of this variant in disease. Therefore, it has been classified as a Variant of Uncertain Significance.

NM_001370259.2(MEN1):c.1218C>G (p.Asp406Glu)

Gene: MEN1 (menin 1; minus strand). Cytogenetic location: 11q13.1.
Variant type: single nucleotide variant.
Coding change: c.1218C>G on transcript NM_001370259.2 (MANE Select); coding-DNA position 1218, C replaced by G.
Protein change: p.Asp406Glu; replaces aspartic acid 406 with glutamic acid.
Molecular consequence: missense variant. On other transcripts: non-coding transcript variant (4), intron variant (1).
Genome position (GRCh38, 1-based): chr11:64,805,166, G>C on the plus strand (C>G on the coding strand, the complement: MEN1 is on the minus strand). VCF-style: chr11-64805166-G-C. GRCh37 (hg19) VCF-style: chr11-64572638-G-C.
Other names: c.1233C>G, p.Asp411Glu (NM_000244.4, NM_001407145.1, NM_130800.3 and 4 more transcripts); c.1344C>G, p.Asp448Glu (NM_001370251.2, NM_001407142.1, NM_001407143.1 and 1 more transcripts); c.1218C>G, p.Asp406Glu (NM_001370260.2, NM_001370261.2, NM_001407146.1 and 2 more transcripts); c.1113C>G, p.Asp371Glu (NM_001370262.2, NM_001370263.2, NM_001407148.1 and 1 more transcripts); c.1359C>G, p.Asp453Glu (NM_001407150.1); c.1239C>G, p.Asp413Glu (NM_001407151.1); c.1186-350C>G (NM_001407152.1); short protein forms D411E, D406E, D413E, D448E, D371E, D453E.
Identifiers: ClinVar variation 2847262 (VCV002847262.4), dbSNP rs2497146197, ClinGen allele CA381180713.
Genomic context (GRCh38, chr11:64,805,166, plus strand): 5'-GCCCTCCTCCCATTTGCAGATGCCGTCGTAGAATCGCAGCAGGTGGGCGAAGCACTCAGG[G>C]TCCTGGAGGGCGGAACCTTGGCTCTGGGTGCCCTGGACGAGGGGGAAGGGAGGGCACAGA-3'
Protein context (NP_001357188.2, residues 396-416): GTQSQGSALQ[Asp406Glu]PECFAHLLRF